The following is an entry in ClinVar:

ClinVar aggregate classification (germline): Conflicting classifications of pathogenicity. Review status: criteria provided, conflicting classifications (1 of 4 stars). 8 submissions from 8 submitters: Uncertain significance (5); Likely benign (3). Last evaluated 2026-05-01.

Conditions:
CDKN2A-related disorder. Also called: CDKN2A-related condition.
Familial melanoma. Also called: Hereditary melanoma; Hereditary cutaneous melanoma. Identifiers: Orphanet 618, MedGen C1512419, MONDO:0018961.
Hereditary cancer-predisposing syndrome. Also called: Neoplastic Syndromes, Hereditary; Tumor predisposition; Hereditary Cancer Syndrome; Hereditary neoplastic syndrome. Identifiers: Orphanet 140162, MedGen C0027672, MeSH D009386, MONDO:0015356.
Melanoma and neural system tumor syndrome. Also called: MELANOMA-ASTROCYTOMA SYNDROME. Identifiers: Orphanet 252206, MedGen C1835042, MONDO:0007967, OMIM 155755.

Allele frequency attached by ClinVar (database versions not stated): ESP Exome Variant Server 0.00008; 1000 Genomes Project 30x 0.00016; TOPMed 0.00016; 1000 Genomes Project 0.00020.
gnomAD v4.1: 29 of 1,609,610 alleles (0.0018%); highest among the groups gnomAD compares: African/African-American, 0.037%; no homozygotes.

Submissions (8):

PreventionGenetics, part of Exact Sciences
Classification: Uncertain significance for CDKN2A-related condition. Last evaluated: 2026-05-01. Review status: criteria provided, single submitter. Criteria: ACMG Guidelines, 2015. Collection method: clinical testing. Allele origin: germline.
Comment: The CDKN2A c.361C>G variant is predicted to result in the amino acid substitution p.Leu121Val. This variant has been reported as an uncertain variant in an individual undergoing testing for Lynch syndrome (Supplemental Table 2, Yurgelun et al. 2015. PubMed ID: 25980754). This variant is reported in 0.041% of alleles in individuals of African descent in gnomAD has conflicting interpretations in ClinVar ranging from uncertain to likely benign (Variation ID: 219905). At this time, the clinical significance of this variant is uncertain due to the absence of conclusive functional and genetic evidence.

Labcorp Genetics (formerly Invitae), Labcorp
Classification: Uncertain significance for Familial melanoma. Last evaluated: 2025-08-31. Review status: criteria provided, single submitter. Criteria: Invitae Variant Classification Sherloc (09022015). Collection method: clinical testing. Allele origin: germline.
Comment: This sequence change replaces leucine, which is neutral and non-polar, with valine, which is neutral and non-polar, at codon 121 of the CDKN2A (p16INK4a) protein (p.Leu121Val). This variant is present in population databases (rs142371511, gnomAD 0.04%). This missense change has been observed in individual(s) with colon cancer, family history of multiple cancer types, lung cancer, melanoma, and/or prostate cancer (internal data). ClinVar contains an entry for this variant (Variation ID: 219905). An algorithm developed to predict the effect of missense changes on protein structure and function (PolyPhen-2) suggests that this variant is likely to be tolerated. In summary, the available evidence is currently insufficient to determine the role of this variant in disease. Therefore, it has been classified as a Variant of Uncertain Significance.

Quest Diagnostics Nichols Institute San Juan Capistrano
Classification: Likely benign. Last evaluated: 2024-08-23. Review status: criteria provided, single submitter. Criteria: Quest Diagnostics criteria. Collection method: clinical testing. Allele origin: unknown.

Baylor Genetics
Classification: Uncertain significance for Melanoma and neural system tumor syndrome. Last evaluated: 2024-01-30. Review status: criteria provided, single submitter. Criteria: ACMG Guidelines, 2015. Collection method: clinical testing. Allele origin: unknown.

Ambry Genetics
Classification: Likely benign for Hereditary cancer-predisposing syndrome. Last evaluated: 2022-10-12. Review status: criteria provided, single submitter. Criteria: Ambry Variant Classification Scheme 2023. Collection method: clinical testing. Allele origin: germline.

GeneDx
Classification: Uncertain significance. Last evaluated: 2022-08-11. Review status: criteria provided, single submitter. Criteria: GeneDx Variant Classification Process June 2021. Collection method: clinical testing. Allele origin: germline. Affected: yes.
Comment: In silico analysis supports that this missense variant does not alter protein structure/function; Identified in patients with Lynch-associated cancer and/or polyps (Yurgelun et al., 2015); This variant is associated with the following publications: (PMID: 25980754)

Color Diagnostics, LLC DBA Color Health
Classification: Likely benign for Hereditary cancer-predisposing syndrome. Last evaluated: 2022-06-13. Review status: criteria provided, single submitter. Criteria: ACMG Guidelines, 2015. Collection method: clinical testing. Allele origin: germline.

Women's Health and Genetics/Laboratory Corporation of America, LabCorp
Classification: Uncertain significance. Last evaluated: 2022-05-23. Review status: criteria provided, single submitter. Criteria: LabCorp Variant Classification Summary - May 2015. Collection method: clinical testing. Allele origin: germline.
Comment: Variant summary: CDKN2A c.361C>G (p.Leu121Val) results in a conservative amino acid change located in the Ankyrin repeat-containing domain of the encoded protein sequence. Five of five in-silico tools predict a benign effect of the variant on protein function. The variant allele was found at a frequency of 3.3e-05 in 242498 control chromosomes, predominantly at a frequency of 0.00051 within the African or African-American subpopulation in the gnomAD database. The available data on variant occurrences in the general population are insufficient to allow any conclusion about variant significance. c.361C>G has been reported in the literature as a VUS in settings of multigene panel analysis in an individual undergoing testing for Lynch syndrome (example, Yurgelun_2015). These report(s) do not provide unequivocal conclusions about association of the variant with Cutaneous Malignant Melanoma. To our knowledge, no experimental evidence demonstrating an impact on protein function has been reported. Four clinical diagnostic laboratories have submitted clinical-significance assessments for this variant to ClinVar after 2014 without evidence for independent evaluation. All laboratories classified the variant as uncertain significance. Based on the evidence outlined above, the variant was classified as uncertain significance.

Literature cited by the submitters: PubMed 25980754 (cited by Quest Diagnostics Nichols Institute San Juan Capistrano and Women's Health and Genetics/Laboratory Corporation of America, LabCorp); PubMed 27756164 (cited by Women's Health and Genetics/Laboratory Corporation of America, LabCorp); PubMed 27960642 (cited by Women's Health and Genetics/Laboratory Corporation of America, LabCorp); PubMed 28765326 (cited by Women's Health and Genetics/Laboratory Corporation of America, LabCorp); PubMed 9166859 (cited by Women's Health and Genetics/Laboratory Corporation of America, LabCorp); PubMed 16818274 (cited by Women's Health and Genetics/Laboratory Corporation of America, LabCorp); PubMed 18519632 (cited by Women's Health and Genetics/Laboratory Corporation of America, LabCorp); PubMed 7718873 (cited by Women's Health and Genetics/Laboratory Corporation of America, LabCorp).

NM_000077.5(CDKN2A):c.361C>G (p.Leu121Val)

Gene: CDKN2A (cyclin dependent kinase inhibitor 2A; minus strand). Cytogenetic location: 9p21.3.
Variant type: single nucleotide variant.
Coding change: c.361C>G on transcript NM_000077.5; coding-DNA position 361, C replaced by G.
Protein change: p.Leu121Val; replaces leucine 121 with valine.
Molecular consequence: missense variant (on NM_000077.6). On other transcripts: 3 prime UTR variant (2).
Genome position (GRCh38, 1-based): chr9:21,970,998, G>C on the plus strand (C>G on the coding strand, the complement: CDKN2A is on the minus strand). VCF-style: chr9-21970998-G-C. GRCh37 (hg19) VCF-style: chr9-21970997-G-C.
Other names: c.361C>G, p.Leu121Val (NM_000077.6, NM_001195132.2); c.208C>G, p.Leu70Val (NM_001363763.2); c.*5C>G (NM_058195.4); c.*284C>G (NM_058197.5); short protein forms L121V, L70V.
Identifiers: ClinVar variation 219905 (VCV000219905.28), dbSNP rs142371511, ClinGen allele CA348338.